The following is an entry in ClinVar:

ClinVar aggregate classification (germline): Uncertain significance (1 of 4 stars; one submission).

Allele frequency attached by ClinVar (database versions not stated): gnomAD exomes below 0.00001.

Submission:

Mayo Clinic Laboratories, Mayo Clinic
Classification: Uncertain significance. Last evaluated: 2023-06-14. Review status: criteria provided, single submitter. Criteria: ACMG Guidelines, 2015. Collection method: clinical testing. Allele origin: germline. Observed: 1 variant allele.
Comment: PM2

NM_014874.4(MFN2):c.1904C>T (p.Ala635Val)

Gene: MFN2 (mitofusin 2; plus strand). Cytogenetic location: 1p36.22.
Variant type: single nucleotide variant.
Coding change: c.1904C>T on transcript NM_014874.4 (MANE Select); coding-DNA position 1904, C replaced by T.
Protein change: p.Ala635Val; replaces alanine 635 with valine.
Molecular consequence: missense variant.
Genome position (GRCh38, 1-based): chr1:12,007,084, C>T. VCF-style: chr1-12007084-C-T. GRCh37 (hg19) VCF-style: chr1-12067141-C-T.
Other names: p.Ala635Val; c.1904C>T, p.Ala635Val (NM_001127660.2); short protein forms A635V.
Identifiers: ClinVar variation 2683695 (VCV002683695.1), dbSNP rs863224071, ClinGen allele CA338450491.
Genomic context (GRCh38, chr1:12,007,084, plus strand): 5'-GCACTCCAGGCTGACCATGTGCTCTGCAGGTGTGGAAGGCAGTGGGCTGGCGGCTCATTG[C>T]CCTCTCCTTTGGGCTCTATGGCCTCCTCTACGTCTATGAGCGTCTGACCTGGACCACCAA-3'
Protein context (NP_055689.1, residues 625-645): VWKAVGWRLI[Ala635Val]LSFGLYGLLY